The following is an entry in ClinVar:

NM_014384.3(ACAD8):c.731G>A (p.Arg244Gln)

Gene: ACAD8 (acyl-CoA dehydrogenase family member 8; plus strand). Cytogenetic location: 11q25.
Variant type: single nucleotide variant.
Coding change: c.731G>A on transcript NM_014384.3 (MANE Select); coding-DNA position 731, G replaced by A.
Protein change: p.Arg244Gln; replaces arginine 244 with glutamine.
Molecular consequence: missense variant.
Genome position (GRCh38, 1-based): chr11:134,261,069, G>A. VCF-style: chr11-134261069-G-A. GRCh37 (hg19) VCF-style: chr11-134130963-G-A.
Other names: short protein forms R244Q.
Identifiers: ClinVar variation 597044 (VCV000597044.6), dbSNP rs758914454, ClinGen allele CA6373070.
Genomic context (GRCh38, chr11:134,261,069, plus strand): 5'-TGTTGGGCAACCACGCAGTCCCTGATTTTTGCCAGGTGGGGTGGAACTCCCAGCCAACAC[G>A]AGCTGTGATCTTCGAAGACTGTGCTGTCCCTGTGGCCAACAGAATTGGGAGCGAGGGGCA-3'
Protein context (NP_055199.1, residues 234-254): KKVGWNSQPT[Arg244Gln]AVIFEDCAVP

ClinVar aggregate classification (germline): Conflicting classifications of pathogenicity. Review status: criteria provided, conflicting classifications (1 of 4 stars). 2 submissions from 2 submitters: Likely pathogenic (1); Uncertain significance (1). Last evaluated 2026-06-17.

Conditions:
Inborn errors of metabolism. Also called: Inborn error of metabolism. Identifiers: Orphanet 68367, MedGen C0025521, MONDO:0019052.

Allele frequency attached by ClinVar (database versions not stated): TOPMed below 0.00001; gnomAD 0.00002 and 0.00001; gnomAD exomes 0.00003; ExAC 0.00004.

Submissions (2):

North West Genomic Laboratory Hub, Manchester University NHS Foundation Trust
Classification: Likely pathogenic for Inborn error of metabolism. Last evaluated: 2026-06-17. Review status: criteria provided, single submitter. Criteria: ACGS Best Practice Guidelines for Variant Classification in Rare Disease 2024. Collection method: clinical testing. Allele origin: germline. Affected: yes.
Comment: PP4_Str PM3_Supp PM2_Mod

Eurofins Ntd Llc (ga)
Classification: Uncertain significance. Last evaluated: 2018-05-25. Review status: criteria provided, single submitter. Criteria: EGL ClinVar v180209 classification definitions. Collection method: clinical testing. Allele origin: germline. Observed: 1 variant allele, 1 heterozygote.